The following is an entry in ClinVar:

ClinVar aggregate classification (germline): Benign/Likely benign. Review status: criteria provided, multiple submitters, no conflicts (2 of 4 stars). 12 submissions from 12 submitters: Benign (1); Likely benign (7). 4 of the submissions do not count toward it. Last evaluated 2026-03-27.

Conditions:
Dilated cardiomyopathy 1G (CMD1G). Identifiers: Orphanet 154, MedGen C1858763, MONDO:0011400, OMIM 604145.
Autosomal recessive limb-girdle muscular dystrophy type 2J (LGMDR10). Also called: MUSCULAR DYSTROPHY, LIMB-GIRDLE, AUTOSOMAL RECESSIVE 10; Limb-girdle muscular dystrophy, type 2J. Identifiers: Orphanet 140922, MedGen C1837342, MONDO:0012127, OMIM 608807.

Allele frequency attached by ClinVar (database versions not stated): gnomAD 0.00188 and 0.00177; ESP Exome Variant Server 0.00191; 1000 Genomes Project 0.00200; gnomAD exomes 0.00039; ExAC 0.00046; TOPMed 0.00200; 1000 Genomes Project 30x 0.00234.

Submissions (12):

Molecular Diagnostic Laboratory for Inherited Cardiovascular Disease, Montreal Heart Institute
Classification: Likely benign. Last evaluated: 2026-03-27. Review status: criteria provided, single submitter. Criteria: ACMG Guidelines, 2015. Collection method: clinical testing. Allele origin: germline. Affected: no.
Comment: BS1;BP1

Women's Health and Genetics/Laboratory Corporation of America, LabCorp
Classification: Likely benign. Last evaluated: 2026-02-09. Review status: criteria provided, single submitter. Criteria: LabCorp Variant Classification Summary - May 2015. Collection method: clinical testing. Allele origin: germline.
Comment: Variant summary: TTN c.14927G>C (p.Cys4976Ser) results in a non-conservative amino acid change in the encoded protein sequence. Algorithms developed to predict the effect of missense changes on protein structure and function are either unavailable or do not agree on the potential impact of this missense change. The variant allele was found at a frequency of 0.00039 in 248432 control chromosomes, predominantly at a frequency of 0.0056 within the African or African-American subpopulation in the gnomAD database, including 1 homozygote. The observed variant frequency within African or African-American control individuals in the gnomAD database exceeds the estimated maximal expected allele frequency for disease-causing variants in TTN. c.14927G>C has been reported in the literature in an individual affected with hypertrophic cardiomyopathy; however, authors classified the variant as likely benign (Burstein_2021). These report(s) do not provide unequivocal conclusions about association of the variant with TTN-related conditions. To our knowledge, no experimental evidence demonstrating an impact on protein function has been reported. The following publication has been ascertained in the context of this evaluation (PMID: 32746448). ClinVar contains an entry for this variant (Variation ID: 46640). Based on the evidence outlined above, the variant was classified as likely benign.

Labcorp Genetics (formerly Invitae), Labcorp
Classification: Benign for Dilated cardiomyopathy 1G; Autosomal recessive limb-girdle muscular dystrophy type 2J. Last evaluated: 2026-02-03. Review status: criteria provided, single submitter. Criteria: Invitae Variant Classification Sherloc (09022015). Collection method: clinical testing. Allele origin: germline.

ARUP Laboratories, Molecular Genetics and Genomics, ARUP Laboratories
Classification: Likely benign. Last evaluated: 2025-07-08. Review status: criteria provided, single submitter. Criteria: ARUP Molecular Germline Variant Investigation Process 2024. Collection method: clinical testing. Allele origin: germline.

Blueprint Genetics
Classification: Likely benign. Last evaluated: 2024-09-02. Review status: criteria provided, single submitter. Criteria: ACMG Guidelines, 2015. Collection method: clinical testing. Allele origin: germline.

GeneDx
Classification: Likely benign. Last evaluated: 2020-12-03. Review status: criteria provided, single submitter. Criteria: GeneDx Variant Classification Process June 2021. Collection method: clinical testing. Allele origin: germline. Affected: yes.

Laboratory for Molecular Medicine, Mass General Brigham Personalized Medicine
Classification: Likely benign. Last evaluated: 2015-04-01. Review status: criteria provided, single submitter. Criteria: LMM Criteria. Collection method: clinical testing. Allele origin: germline. Observed: 6 variant alleles.
Comment: p.Cys4976Ser in exon 61 of TTN: This variant is not expected to have clinical si gnificance because it has been identified in 0.5% (52/9760) of African chromosom es by the Exome Aggregation Consortium (ExAC; db SNP rs191692293).

Eurofins Ntd Llc (ga)
Classification: Likely benign. Last evaluated: 2014-04-09. Review status: criteria provided, single submitter. Criteria: EGL Classification Definitions 2015. Collection method: clinical testing. Allele origin: germline. Observed: 1 variant allele, 1 heterozygote.

Clinical Genetics DNA and cytogenetics Diagnostics Lab, Erasmus MC, Erasmus Medical Center
Classification: Likely benign. Review status: no assertion criteria provided. Collection method: clinical testing. Allele origin: germline. Affected: yes. Study: VKGL Data-share Consensus. Not counted in ClinVar's aggregate classification.

Clinical Genetics, Academic Medical Center
Classification: Benign. Review status: no assertion criteria provided. Collection method: clinical testing. Allele origin: germline. Affected: yes. Study: VKGL Data-share Consensus. Not counted in ClinVar's aggregate classification.

Genome Diagnostics Laboratory, University Medical Center Utrecht
Classification: Likely benign. Review status: no assertion criteria provided. Collection method: clinical testing. Allele origin: germline. Affected: yes. Study: VKGL Data-share Consensus. Not counted in ClinVar's aggregate classification.

Joint Genome Diagnostic Labs from Nijmegen and Maastricht, Radboudumc and MUMC+
Classification: Likely benign. Review status: no assertion criteria provided. Collection method: clinical testing. Allele origin: germline. Affected: yes. Study: VKGL Data-share Consensus. Not counted in ClinVar's aggregate classification.

Literature cited by the submitters: PubMed 32746448 (cited by Women's Health and Genetics/Laboratory Corporation of America, LabCorp).

NM_001267550.2(TTN):c.18659G>C (p.Cys6220Ser)

Genes: TTN (titin; minus strand), LOC126806430 (BRD4-independent group 4 enhancer GRCh37_chr2:179593794-179594993; plus strand). Cytogenetic location: 2q31.2.
Variant type: single nucleotide variant.
Coding change: c.18659G>C on transcript NM_001267550.2 (MANE Select); coding-DNA position 18659, G replaced by C.
Protein change: p.Cys6220Ser; replaces cysteine 6220 with serine.
Molecular consequence: missense variant. On other transcripts: intron variant (3).
Genome position (GRCh38, 1-based): chr2:178,729,497, C>G on the plus strand (G>C on the coding strand, the complement: TTN is on the minus strand). VCF-style: chr2-178729497-C-G. GRCh37 (hg19) VCF-style: chr2-179594224-C-G.
Other names: p.C4976S:TGT>TCT; c.13282+8585G>C (NM_003319.4); c.13858+8585G>C (NM_133437.4); c.13657+8585G>C (NM_133432.3); c.17708G>C, p.Cys5903Ser (NM_001256850.1); c.14927G>C, p.Cys4976Ser (NM_133378.4); short protein forms C6220S, C4976S, C5903S.
Identifiers: ClinVar variation 46640 (VCV000046640.76), dbSNP rs191692293, ClinGen allele CA138828.
Genomic context (GRCh38, chr2:178,729,497, plus strand): 5'-CGAATTTCCCTGTTATTCTTCAGCCAAGTGACTTCAAACGGAGGTGTTCCCGTAACTTCA[C>G]ACTCCAGCTCCACGTCACTATATTTTACTACCTCCACAGGCTTCAGCTCTCTGATAAAGG-3'
Protein context (NP_001254479.2, residues 6210-6230): VVKYSDVELE[Cys6220Ser]EVTGTPPFEV